The following is an entry in ClinVar:

ClinVar aggregate classification (germline): Uncertain significance (1 of 4 stars; one submission).

Submission:

GeneDx
Classification: Uncertain significance. Last evaluated: 2023-02-10. Review status: criteria provided, single submitter. Criteria: GeneDx Variant Classification Process June 2021. Collection method: clinical testing. Allele origin: germline. Affected: yes.
Comment: Not observed at significant frequency in large population cohorts (gnomAD); In silico analysis supports that this missense variant has a deleterious effect on protein structure/function; Has not been previously published as pathogenic or benign to our knowledge

NM_006258.4(PRKG1):c.1559T>G (p.Phe520Cys)

Gene: PRKG1 (protein kinase cGMP-dependent 1; plus strand). Cytogenetic location: 10q21.1.
Variant type: single nucleotide variant.
Coding change: c.1559T>G on transcript NM_006258.4 (MANE Select); coding-DNA position 1559, T replaced by G.
Protein change: p.Phe520Cys; replaces phenylalanine 520 with cysteine.
Molecular consequence: missense variant.
Genome position (GRCh38, 1-based): chr10:52,282,166, T>G. VCF-style: chr10-52282166-T-G. GRCh37 (hg19) VCF-style: chr10-54041926-T-G.
Other names: c.1514T>G, p.Phe505Cys (NM_001098512.3); c.350T>G, p.Phe117Cys (NM_001374781.1); short protein forms F117C, F505C, F520C.
Identifiers: ClinVar variation 2575766 (VCV002575766.1), dbSNP rs2492865915, ClinGen allele CA376535576.
Genomic context (GRCh38, chr10:52,282,166, plus strand): 5'-ACTTAATCATAAGGAGCTTAAGTATCTTGTTTTTCTCTCTTTGTAAGGTTGATTTTGGCT[T>G]TGCAAAGAAAATAGGATTTGGAAAGAAAACATGGACTTTTTGTGGGACTCCAGAGTATGT-3'
Protein context (NP_006249.1, residues 510-530): RGYAKLVDFG[Phe520Cys]AKKIGFGKKT